The following is an entry in ClinVar:

ClinVar aggregate classification (germline): Uncertain significance (1 of 4 stars; one submission).

Conditions:
Glycogen storage disease IXb (GSD9B). Also called: GLYCOGENOSIS OF LIVER AND MUSCLE, AUTOSOMAL RECESSIVE; GSD IXb; PHOSPHORYLASE KINASE DEFICIENCY OF LIVER AND MUSCLE, AUTOSOMAL RECESSIVE. Identifiers: Orphanet 79240, MedGen C0543514, MONDO:0009868, OMIM 261750.

Allele frequency attached by ClinVar (database versions not stated): TOPMed below 0.00001.

Submission:

Labcorp Genetics (formerly Invitae), Labcorp
Classification: Uncertain significance for Glycogen storage disease IXb. Last evaluated: 2021-08-26. Review status: criteria provided, single submitter. Criteria: Invitae Variant Classification Sherloc (09022015). Collection method: clinical testing. Allele origin: germline.
Comment: This sequence change replaces proline with alanine at codon 352 of the PHKB protein (p.Pro352Ala). The proline residue is highly conserved and there is a small physicochemical difference between proline and alanine. This variant is not present in population databases (ExAC no frequency). This variant has not been reported in the literature in individuals affected with PHKB-related conditions. Algorithms developed to predict the effect of missense changes on protein structure and function are either unavailable or do not agree on the potential impact of this missense change (SIFT: "Tolerated"; PolyPhen-2: "Probably Damaging"; Align-GVGD: "Class C0"). In summary, the available evidence is currently insufficient to determine the role of this variant in disease. Therefore, it has been classified as a Variant of Uncertain Significance.

NM_000293.3(PHKB):c.1054C>G (p.Pro352Ala)

Gene: PHKB (phosphorylase kinase regulatory subunit beta; plus strand). Cytogenetic location: 16q12.1.
Variant type: single nucleotide variant.
Coding change: c.1054C>G on transcript NM_000293.3 (MANE Select); coding-DNA position 1054, C replaced by G.
Protein change: p.Pro352Ala; replaces proline 352 with alanine.
Molecular consequence: missense variant.
Genome position (GRCh38, 1-based): chr16:47,589,088, C>G. VCF-style: chr16-47589088-C-G. GRCh37 (hg19) VCF-style: chr16-47622999-C-G.
Other names: c.1033C>G, p.Pro345Ala (NM_001031835.3); c.1054C>G, p.Pro352Ala (NM_001363837.1); short protein forms P352A, P345A.
Identifiers: ClinVar variation 862662 (VCV000862662.7), dbSNP rs1197477921, ClinGen allele CA395796332.